The following is an entry in ClinVar:

ClinVar aggregate classification (germline): Likely benign. Review status: criteria provided, multiple submitters, no conflicts (2 of 4 stars). 2 submissions from 2 submitters: Likely benign (2). Last evaluated 2025-07-29.

Conditions:
Charcot-Marie-Tooth Neuropathy X. Identifiers: MedGen CN118851.
Combined oxidative phosphorylation deficiency. Identifiers: MedGen C4540031, MONDO:0000732.

Allele frequency attached by ClinVar (database versions not stated): ExAC 0.00001; gnomAD exomes 0.00001; gnomAD 0.00002; TOPMed 0.00002.
gnomAD v4.1: 14 of 1,209,686 alleles (0.0012%); highest among the groups gnomAD compares: Non-Finnish European, 0.0016%; no homozygotes.

Submissions (2):

Labcorp Genetics (formerly Invitae), Labcorp
Classification: Likely benign for Charcot-Marie-Tooth Neuropathy X; Combined oxidative phosphorylation deficiency. Last evaluated: 2025-07-29. Review status: criteria provided, single submitter. Criteria: Invitae Variant Classification Sherloc (09022015). Collection method: clinical testing. Allele origin: germline.

CeGaT Center for Human Genetics Tuebingen
Classification: Likely benign. Last evaluated: 2022-05-01. Review status: criteria provided, single submitter. Criteria: CeGaT Center For Human Genetics Tuebingen Variant Classification Criteria Version 2. Collection method: clinical testing. Allele origin: germline. Affected: yes. Observed: 1 variant allele.
Comment: AIFM1: BP4, BP7

NM_004208.4(AIFM1):c.1713A>G (p.Lys571=)

Genes: AIFM1 (apoptosis inducing factor mitochondria associated 1; minus strand), RAB33A (RAB33A, member RAS oncogene family; plus strand). Cytogenetic location: Xq26.1.
Variant type: single nucleotide variant.
Coding change: c.1713A>G on transcript NM_004208.4 (MANE Select); coding-DNA position 1713, A replaced by G.
Protein change: p.Lys571=; no amino-acid change (lysine 571 retained).
Molecular consequence: synonymous variant. On other transcripts: 3 prime UTR variant (1), non-coding transcript variant (1).
Genome position (GRCh38, 1-based): chrX:130,130,027, T>C on the plus strand (A>G on the coding strand, the complement: AIFM1 is on the minus strand). VCF-style: chrX-130130027-T-C. GRCh37 (hg19) VCF-style: chrX-129264002-T-C.
Other names: c.696A>G, p.Lys232= (NM_001130846.4); c.*941A>G (NM_001130847.4); c.1701A>G, p.Lys567= (NM_145812.3).
Identifiers: ClinVar variation 1143229 (VCV001143229.32), dbSNP rs777563453, ClinGen allele CA10515230.
Genomic context (GRCh38, chrX:130,130,027, plus strand): 5'-TACCTTCCTTGCTATTGGCATTCGGTTAAAGATGTTCCATAGCACAATCCCCACGACCAC[T>C]TTGTCCCTGAGGTAGAAGATGACACCTTTGCCGTAGTCCTCCCCCTGGACGGGAGCCTGT-3'
Protein context (NP_004199.1, residues 561-581): GKGVIFYLRD[Lys571=]VVVGIVLWNI